The following is an entry in ClinVar:

NM_014049.5(ACAD9):c.245-311_245-309del

Gene: ACAD9 (acyl-CoA dehydrogenase family member 9; plus strand). Cytogenetic location: 3q21.3.
Variant type: Deletion.
Coding change: c.245-311_245-309del on transcript NM_014049.5 (MANE Select); 311 bases into the intron before coding-DNA position 245 through 309 bases into the intron before coding-DNA position 245, 3 bases deleted (TGA; older notation c.245-311_245-309delTGA).
Molecular consequence: intron variant.
Genome position (GRCh38, 1-based): chr3:128,893,244-128,893,246, TGA deleted; deleting any 3 consecutive bases within chr3:128,893,243-128,893,246 gives the same sequence; the c. name uses the placement nearest the transcript's 3' end. VCF-style (leftmost placement, unchanged base first): chr3-128893242-CATG-C. GRCh37 (hg19) VCF-style: chr3-128612085-CATG-C.
Identifiers: ClinVar variation 669685 (VCV000669685.1), dbSNP rs145182927, ClinGen allele CA82522287.
Genomic context (GRCh38, chr3:128,893,242, plus strand): 5'-CTGAAAAAAAAAAAAAAAATTAGCTGGGTGTGGTGGTATATACCTGTAGTCCCAGCTTCT[CATG>C]AAGCTGAGGCAGGAGGCTCACTTGAGCCTGGGAGATTAAGGTTACGTGAGCTATGATTGT-3'

ClinVar aggregate classification (germline): Benign (1 of 4 stars; one submission).

Submission:

GeneDx
Classification: Benign. Last evaluated: 2018-06-14. Review status: criteria provided, single submitter. Criteria: GeneDx Variant Classification (06012015). Collection method: clinical testing. Allele origin: germline. Affected: yes.
Comment: This variant is considered likely benign or benign based on one or more of the following criteria: it is a conservative change, it occurs at a poorly conserved position in the protein, it is predicted to be benign by multiple in silico algorithms, and/or has population frequency not consistent with disease.